The following is an entry in ClinVar:

ClinVar aggregate classification (germline): Uncertain significance (1 of 4 stars; one submission).

Submission:

GeneDx
Classification: Uncertain significance. Last evaluated: 2025-04-01. Review status: criteria provided, single submitter. Criteria: GeneDx Variant Classification Process June 2021. Collection method: clinical testing. Allele origin: germline.
Comment: Stop codon loss and change to a Cysteine codon, leading to protein extension and the addition of 51 amino acid(s) at the C-terminus; Not observed at significant frequency in large population cohorts (gnomAD); Has not been previously published as pathogenic or benign to our knowledge

NM_001348716.2(KDM6B):c.4932A>C (p.Ter1644Cys)

Gene: KDM6B (lysine demethylase 6B; plus strand). Cytogenetic location: 17p13.1.
Variant type: single nucleotide variant.
Coding change: c.4932A>C on transcript NM_001348716.2 (MANE Select); coding-DNA position 4932, A replaced by C.
Protein change: p.Ter1644Cys.
Molecular consequence: stop lost.
Genome position (GRCh38, 1-based): chr17:7,853,521, A>C. VCF-style: chr17-7853521-A-C. GRCh37 (hg19) VCF-style: chr17-7756839-A-C.
Other names: c.5049A>C, p.Ter1683Cys (NM_001080424.2).
Identifiers: ClinVar variation 2576640 (VCV002576640.2), dbSNP rs2544537542, ClinGen allele CA397929156.